The following is an entry in ClinVar:

NM_002972.4(SBF1):c.4459G>A (p.Gly1487Ser)

Gene: SBF1 (SET binding factor 1; minus strand). Cytogenetic location: 22q13.33.
Variant type: single nucleotide variant.
Coding change: c.4459G>A on transcript NM_002972.4 (MANE Select); coding-DNA position 4459, G replaced by A.
Protein change: p.Gly1487Ser; replaces glycine 1487 with serine.
Molecular consequence: missense variant.
Genome position (GRCh38, 1-based): chr22:50,455,319, C>T on the plus strand (G>A on the coding strand, the complement: SBF1 is on the minus strand). VCF-style: chr22-50455319-C-T. GRCh37 (hg19) VCF-style: chr22-50893748-C-T.
Other names: c.4384G>A, p.Gly1462Ser (NM_001365819.1); c.4462G>A, p.Gly1488Ser (NM_001410794.1); c.4381G>A, p.Gly1461Ser (NM_001410795.1); short protein forms G1462S, G1488S, G1461S, G1487S.
Identifiers: ClinVar variation 3708903 (VCV003708903.2).

ClinVar aggregate classification (germline): Uncertain significance (1 of 4 stars; one submission).

gnomAD v4.1: 50 of 1,613,302 alleles (0.0031%); highest among the groups gnomAD compares: Non-Finnish European, 0.0038%; no homozygotes.

Submission:

Labcorp Genetics (formerly Invitae), Labcorp
Classification: Uncertain significance. Last evaluated: 2024-11-19. Review status: criteria provided, single submitter. Criteria: Invitae Variant Classification Sherloc (09022015). Collection method: clinical testing. Allele origin: germline.
Comment: This sequence change replaces glycine, which is neutral and non-polar, with serine, which is neutral and polar, at codon 1487 of the SBF1 protein (p.Gly1487Ser). This variant is present in population databases (no rsID available, gnomAD 0.01%). This variant has not been reported in the literature in individuals affected with SBF1-related conditions. Invitae Evidence Modeling of protein sequence and biophysical properties (such as structural, functional, and spatial information, amino acid conservation, physicochemical variation, residue mobility, and thermodynamic stability) indicates that this missense variant is expected to disrupt SBF1 protein function with a positive predictive value of 80%. In summary, the available evidence is currently insufficient to determine the role of this variant in disease. Therefore, it has been classified as a Variant of Uncertain Significance.